The following is an entry in ClinVar:

NM_207346.3(TSEN54):c.623+69_886del

Gene: TSEN54 (tRNA splicing endonuclease subunit 54; plus strand). Cytogenetic location: 17q25.1.
Variant type: Deletion.
Coding change: c.623+69_886del on transcript NM_207346.3 (MANE Select); 69 bases into the intron after coding-DNA position 623 through coding-DNA position 886, 389 bases deleted.
Molecular consequence: splice acceptor variant.
Genome position (GRCh38, 1-based): chr17:75,521,579-75,521,967, 389 bases deleted. GRCh37 (hg19): chr17:73,517,660-73,518,048.
Identifiers: ClinVar variation 2837829 (VCV002837829.3), dbSNP rs2546156411, ClinGen allele CA2739268373.

ClinVar aggregate classification (germline): Likely pathogenic (1 of 4 stars; one submission).

Submission:

Labcorp Genetics (formerly Invitae), Labcorp
Classification: Likely pathogenic. Last evaluated: 2023-02-16. Review status: criteria provided, single submitter. Criteria: Invitae Variant Classification Sherloc (09022015). Collection method: clinical testing. Allele origin: germline.
Comment: This variant is not present in population databases (gnomAD no frequency). In summary, the currently available evidence indicates that the variant is pathogenic, but additional data are needed to prove that conclusively. Therefore, this variant has been classified as Likely Pathogenic. Algorithms developed to predict the effect of sequence changes on RNA splicing suggest that this variant may disrupt the consensus splice site. This variant has not been reported in the literature in individuals affected with TSEN54-related conditions. This variant results in the deletion of part of exon 8 (c.623+69_886del) of the TSEN54 gene. It is expected to disrupt RNA splicing. Variants that disrupt the donor or acceptor splice site typically lead to a loss of protein function (PMID: 16199547), and loss-of-function variants in TSEN54 are known to be pathogenic (PMID: 18711368, 20952379).

Literature cited by the submitters: PubMed 16199547; PubMed 18711368; PubMed 20952379.